The following is an entry in ClinVar:

NM_007294.4(BRCA1):c.272G>C (p.Cys91Ser)

Gene: BRCA1 (BRCA1 DNA repair associated; minus strand). Cytogenetic location: 17q21.31.
Variant type: single nucleotide variant.
Coding change: c.272G>C on transcript NM_007294.4 (MANE Select); coding-DNA position 272, G replaced by C.
Protein change: p.Cys91Ser; replaces cysteine 91 with serine.
Molecular consequence: missense variant. On other transcripts: non-coding transcript variant (1).
Genome position (GRCh38, 1-based): chr17:43,104,897, C>G on the plus strand (G>C on the coding strand, the complement: BRCA1 is on the minus strand). VCF-style: chr17-43104897-C-G. GRCh37 (hg19) VCF-style: chr17-41256914-C-G.
Other names: c.62G>C, p.Cys21Ser (NM_001407571.1, NM_001407853.1, NM_001407879.1 and 58 more transcripts); c.272G>C, p.Cys91Ser (NM_001407581.1, NM_001407582.1, NM_001407583.1 and 168 more transcripts); c.194G>C, p.Cys65Ser (NM_001407653.1, NM_001407654.1, NM_001407655.1 and 21 more transcripts); c.131G>C, p.Cys44Ser (NM_001407692.1, NM_001407694.1, NM_001407695.1 and 99 more transcripts); c.-110G>C (NM_001407959.1, NM_001407960.1, NM_001407962.1 and 4 more transcripts); c.140G>C, p.Cys47Ser (NM_001408451.1); short protein forms C91S, C44S, C21S, C47S, C65S.
Identifiers: ClinVar variation 821724 (VCV000821724.7), dbSNP rs1333635543, ClinGen allele CA10601611.
Genomic context (GRCh38, chr17:43,104,897, plus strand): 5'-GAGTGTCATTCTTGGGATATTCAACACTTACACTCCAAACCTGTGTCAAGCTGAAAAGCA[C>G]AAATGATTTTCAATAGCTCTTCAACAAGTTGACTAAATCTCGTACTTTCTTGTAGGCTCC-3'
Protein context (NP_009225.1, residues 81-101): QLVEELLKII[Cys91Ser]AFQLDTGLEY

ClinVar aggregate classification (germline): Uncertain significance (1 of 4 stars; one submission).

Conditions:
Hereditary cancer-predisposing syndrome. Also called: Hereditary Cancer Syndrome; Hereditary neoplastic syndrome; Neoplastic Syndromes, Hereditary; Tumor predisposition. Identifiers: Orphanet 140162, MedGen C0027672, MeSH D009386, MONDO:0015356.

Submissions (2):

Ambry Genetics
Classification: Uncertain significance for Hereditary cancer-predisposing syndrome. Last evaluated: 2019-02-01. Review status: criteria provided, single submitter. Criteria: Ambry Variant Classification Scheme 2023. Collection method: clinical testing. Allele origin: germline.
Comment: The p.C91S variant (also known as c.272G>C), located in coding exon 4 of the BRCA1 gene, results from a G to C substitution at nucleotide position 272. The cysteine at codon 91 is replaced by serine, an amino acid with dissimilar properties. This amino acid position is poorly conserved in available vertebrate species. In addition, the in silico prediction for this alteration is inconclusive. Since supporting evidence is limited at this time, the clinical significance of this alteration remains unclear.

Brotman Baty Institute, University of Washington
No classification provided (evidence only). Condition: Breast-ovarian cancer, familial 1. Review status: no classification provided. Collection method: in vitro. Allele origin: not applicable. Functional consequence: functionally_normal. Not counted in ClinVar's aggregate classification.
ClinVar note: "not provided" was previously submitted as the classification for the variant. However, the classification appeared to be based only on an observation of functional data so it was converted to no classification on 2025-07-30.